The following is an entry in ClinVar:

NM_001042472.3(ABHD12):c.1029+1G>T

Gene: ABHD12 (abhydrolase domain containing 12, lysophospholipase; minus strand). Cytogenetic location: 20p11.21.
Variant type: single nucleotide variant.
Coding change: c.1029+1G>T on transcript NM_001042472.3 (MANE Select); the canonical splice donor site of the intron after coding-DNA position 1029, G replaced by T.
Molecular consequence: splice donor variant.
Genome position (GRCh38, 1-based): chr20:25,303,549, C>A on the plus strand (G>T on the coding strand, the complement: ABHD12 is on the minus strand). VCF-style: chr20-25303549-C-A. GRCh37 (hg19) VCF-style: chr20-25284185-C-A.
Other names: c.1029+1G>T (NM_015600.5).
Identifiers: ClinVar variation 2113214 (VCV002113214.5), dbSNP rs1418915670, ClinGen allele CA408455176.

ClinVar aggregate classification (germline): Likely pathogenic. Review status: criteria provided, multiple submitters, no conflicts (2 of 4 stars). 2 submissions from 2 submitters: Likely pathogenic (2). Last evaluated 2023-12-22.

Allele frequency attached by ClinVar (database versions not stated): TOPMed below 0.00001; gnomAD 0.00001.
gnomAD v4.1: 1 of 1,613,448 alleles (0.000062%); highest among the groups gnomAD compares: Non-Finnish European, 0.000085%; no homozygotes.

Submissions (2):

Mayo Clinic Laboratories, Mayo Clinic
Classification: Likely pathogenic. Last evaluated: 2023-12-22. Review status: criteria provided, single submitter. Criteria: ACMG Guidelines, 2015. Collection method: clinical testing. Allele origin: germline. Observed: 1 variant allele.
Comment: PM2_moderate, PVS1_strong

Labcorp Genetics (formerly Invitae), Labcorp
Classification: Likely pathogenic. Last evaluated: 2023-09-25. Review status: criteria provided, single submitter. Criteria: Invitae Variant Classification Sherloc (09022015). Collection method: clinical testing. Allele origin: germline.
Comment: Algorithms developed to predict the effect of sequence changes on RNA splicing suggest that this variant may disrupt the consensus splice site. Disruption of this splice site has been observed in individual(s) with polyneuropathy, hearing loss, ataxia, retinitis pigmentosa, and cataract (Invitae). In summary, the currently available evidence indicates that the variant is pathogenic, but additional data are needed to prove that conclusively. Therefore, this variant has been classified as Likely Pathogenic. This variant is not present in population databases (gnomAD no frequency). This sequence change affects a donor splice site in intron 11 of the ABHD12 gene. It is expected to disrupt RNA splicing. Variants that disrupt the donor or acceptor splice site typically lead to a loss of protein function (PMID: 16199547), and loss-of-function variants in ABHD12 are known to be pathogenic (PMID: 20797687).

Literature cited by the submitters: PubMed 16199547 (cited by Labcorp Genetics (formerly Invitae), Labcorp); PubMed 20797687 (cited by Labcorp Genetics (formerly Invitae), Labcorp).